The following is an entry in ClinVar:

NM_003242.6(TGFBR2):c.634T>C (p.Phe212Leu)

Gene: TGFBR2 (transforming growth factor beta receptor 2; plus strand). Cytogenetic location: 3p24.1.
Variant type: single nucleotide variant.
Coding change: c.634T>C on transcript NM_003242.6 (MANE Select); coding-DNA position 634, T replaced by C.
Protein change: p.Phe212Leu; replaces phenylalanine 212 with leucine.
Molecular consequence: missense variant.
Genome position (GRCh38, 1-based): chr3:30,671,817, T>C. VCF-style: chr3-30671817-T-C. GRCh37 (hg19) VCF-style: chr3-30713309-T-C.
Other names: c.709T>C, p.Phe237Leu (NM_001024847.3); c.817T>C, p.Phe273Leu (NM_001407126.1); c.742T>C, p.Phe248Leu (NM_001407127.1); c.661T>C, p.Phe221Leu (NM_001407128.1); c.637T>C, p.Phe213Leu (NM_001407129.1); c.634T>C, p.Phe212Leu (NM_001407130.1); c.529T>C, p.Phe177Leu (NM_001407132.1, NM_001407133.1, NM_001407134.1 and 2 more transcripts); c.349T>C, p.Phe117Leu (NM_001407137.1); and 1 more; short protein forms F212L, F237L, F177L, F213L, F117L, F248L, F273L, F221L.
Identifiers: ClinVar variation 924854 (VCV000924854.7), dbSNP rs1699343778, ClinGen allele CA351807530.

ClinVar aggregate classification (germline): Uncertain significance. Review status: criteria provided, multiple submitters, no conflicts (2 of 4 stars). 2 submissions from 2 submitters: Uncertain significance (2). Last evaluated 2024-04-17.

Conditions:
Familial thoracic aortic aneurysm and aortic dissection (TAAD). Also called: Thoracic aortic aneurysms and dissections. Identifiers: Orphanet 91387, MedGen C4707243, MONDO:0019625.

Submissions (2):

Labcorp Genetics (formerly Invitae), Labcorp
Classification: Uncertain significance for Familial thoracic aortic aneurysm and aortic dissection. Last evaluated: 2024-04-17. Review status: criteria provided, single submitter. Criteria: Invitae Variant Classification Sherloc (09022015). Collection method: clinical testing. Allele origin: germline.
Comment: This sequence change replaces phenylalanine, which is neutral and non-polar, with leucine, which is neutral and non-polar, at codon 212 of the TGFBR2 protein (p.Phe212Leu). This variant is not present in population databases (gnomAD no frequency). This variant has not been reported in the literature in individuals affected with TGFBR2-related conditions. ClinVar contains an entry for this variant (Variation ID: 924854). Advanced modeling of protein sequence and biophysical properties (such as structural, functional, and spatial information, amino acid conservation, physicochemical variation, residue mobility, and thermodynamic stability) performed at Invitae indicates that this missense variant is not expected to disrupt TGFBR2 protein function with a negative predictive value of 95%. In summary, the available evidence is currently insufficient to determine the role of this variant in disease. Therefore, it has been classified as a Variant of Uncertain Significance.

Color Diagnostics, LLC DBA Color Health
Classification: Uncertain significance for Familial thoracic aortic aneurysm and aortic dissection. Last evaluated: 2024-03-06. Review status: criteria provided, single submitter. Criteria: ACMG Guidelines, 2015. Collection method: clinical testing. Allele origin: germline.
Comment: This missense variant replaces phenylalanine with leucine at codon 212 of the TGFBR2 protein. Computational prediction suggests that this variant may not impact protein structure and function (internally defined REVEL score threshold <= 0.5, PMID: 27666373). Splice site prediction tools suggest that this variant may not impact RNA splicing. To our knowledge, functional studies have not been performed for this variant. This variant has not been reported in individuals affected with cardiovascular disorders in the literature. This variant has not been identified in the general population by the Genome Aggregation Database (gnomAD). The available evidence is insufficient to determine the role of this variant in disease conclusively. Therefore, this variant is classified as a Variant of Uncertain Significance.